The following is an entry in ClinVar:

NM_021267.5(CERS1):c.493G>A (p.Ala165Thr)

Genes: CERS1 (ceramide synthase 1; minus strand), GDF1 (growth differentiation factor 1; minus strand). Cytogenetic location: 19p13.11.
Variant type: single nucleotide variant.
Coding change: c.493G>A on transcript NM_021267.5 (MANE Select); coding-DNA position 493, G replaced by A.
Protein change: p.Ala165Thr; replaces alanine 165 with threonine.
Molecular consequence: missense variant. On other transcripts: 5 prime UTR variant (2).
Genome position (GRCh38, 1-based): chr19:18,884,184, C>T on the plus strand (G>A on the coding strand, the complement: CERS1 is on the minus strand). VCF-style: chr19-18884184-C-T. GRCh37 (hg19) VCF-style: chr19-18994993-C-T.
Other names: c.199G>A, p.Ala67Thr (NM_001290265.2, NM_001387442.1, NM_001387443.1 and 2 more transcripts); c.493G>A, p.Ala165Thr (NM_001387439.1, NM_001387440.1, NM_001387441.1 and 1 more transcripts); c.-410G>A (NM_001387438.1); c.-830G>A (NM_001492.6); short protein forms A165T, A67T.
Identifiers: ClinVar variation 654724 (VCV000654724.8), dbSNP rs45524532, ClinGen allele CA9318252.
Genomic context (GRCh38, chr19:18,884,184, plus strand): 5'-CCACGTGGTGGAGCAGCATGACCACCGAGTCCTTGCGCCAGGTGTCCATGTATAGCGTAG[C>T]GTAGATGGAGTGGCCATAGAAGCTTCCCTGGAGCAGGTAGGCGGCTGCAATGTCCCGTGG-3'
Protein context (NP_067090.1, residues 155-175): QGSFYGHSIY[Ala165Thr]TLYMDTWRKD

ClinVar aggregate classification (germline): Uncertain significance. Review status: criteria provided, multiple submitters, no conflicts (2 of 4 stars). 2 submissions from 2 submitters: Uncertain significance (2). Last evaluated 2024-06-17.

Conditions:
Progressive myoclonic epilepsy type 8. Identifiers: Orphanet 424027, MedGen C5190825, MONDO:0014545, OMIM 616230.

Allele frequency attached by ClinVar (database versions not stated): TOPMed 0.00007; ESP Exome Variant Server 0.00008; gnomAD 0.00009 and 0.00010; gnomAD exomes 0.00011; ExAC 0.00013; 1000 Genomes Project 30x 0.00031.
gnomAD v4.1: 133 of 1,613,684 alleles (0.0082%); highest among the groups gnomAD compares: East Asian, 0.02%; no homozygotes.

Submissions (2):

Ambry Genetics
Classification: Uncertain significance. Last evaluated: 2024-06-17. Review status: criteria provided, single submitter. Criteria: Ambry Variant Classification Scheme 2023. Collection method: clinical testing. Allele origin: germline.

Labcorp Genetics (formerly Invitae), Labcorp
Classification: Uncertain significance for Progressive myoclonic epilepsy type 8. Last evaluated: 2021-08-28. Review status: criteria provided, single submitter. Criteria: Invitae Variant Classification Sherloc (09022015). Collection method: clinical testing. Allele origin: germline.
Comment: This sequence change replaces alanine with threonine at codon 165 of the CERS1 protein (p.Ala165Thr). The alanine residue is highly conserved and there is a small physicochemical difference between alanine and threonine. This variant is present in population databases (rs45524532, ExAC 0.04%). This variant has not been reported in the literature in individuals affected with CERS1-related conditions. Algorithms developed to predict the effect of missense changes on protein structure and function are either unavailable or do not agree on the potential impact of this missense change (SIFT: "Tolerated"; PolyPhen-2: "Probably Damaging"; Align-GVGD: "Class C0"). In summary, the available evidence is currently insufficient to determine the role of this variant in disease. Therefore, it has been classified as a Variant of Uncertain Significance.